The following is an entry in ClinVar:

NM_080680.3(COL11A2):c.1188C>T (p.Leu396=)

Gene: COL11A2 (collagen type XI alpha 2 chain; minus strand). Cytogenetic location: 6p21.32.
Variant type: single nucleotide variant.
Coding change: c.1188C>T on transcript NM_080680.3 (MANE Select); coding-DNA position 1188, C replaced by T.
Protein change: p.Leu396=; no amino-acid change (leucine 396 retained).
Molecular consequence: synonymous variant.
Genome position (GRCh38, 1-based): chr6:33,180,997, G>A on the plus strand (C>T on the coding strand, the complement: COL11A2 is on the minus strand). VCF-style: chr6-33180997-G-A. GRCh37 (hg19) VCF-style: chr6-33148774-G-A.
Other names: c.867C>T, p.Leu289= (NM_080679.3); c.930C>T, p.Leu310= (NM_080681.3).
Identifiers: ClinVar variation 162994 (VCV000162994.53), dbSNP rs532305958, ClinGen allele CA175573.
Genomic context (GRCh38, chr6:33,180,997, plus strand): 5'-TGGCCACCAGGTCACTGCTAGACTTACCGCAGGGCCTTCTGGGCCAGGGGGCCCCTCCAC[G>A]AGCATACCCTGTGGAGTCAAAGGTTAAAAATCAGAGGCGACAGGACCAGCACACTCAACC-3'
Protein context (NP_542411.2, residues 386-406): GEPAVLEPGM[Leu396=]VEGPPGPEGP

ClinVar aggregate classification (germline): Likely benign. Review status: criteria provided, multiple submitters, no conflicts (2 of 4 stars). 5 submissions from 5 submitters: Likely benign (5). Last evaluated 2026-01-09.

Allele frequency attached by ClinVar (database versions not stated): ExAC 0.00003; gnomAD exomes 0.00003 and 0.00007; gnomAD 0.00005 and 0.00006; TOPMed 0.00005; 1000 Genomes Project 0.00020; 1000 Genomes Project 30x 0.00031.
gnomAD v4.1: 33 of 1,614,092 alleles (0.002%); highest among the groups gnomAD compares: Admixed American, 0.017%; no homozygotes.

Submissions (5):

Labcorp Genetics (formerly Invitae), Labcorp
Classification: Likely benign. Last evaluated: 2026-01-09. Review status: criteria provided, single submitter. Criteria: Invitae Variant Classification Sherloc (09022015). Collection method: clinical testing. Allele origin: germline.

Blueprint Genetics
Classification: Likely benign. Last evaluated: 2024-09-11. Review status: criteria provided, single submitter. Criteria: ACMG Guidelines, 2015. Collection method: clinical testing. Allele origin: germline.

GeneDx
Classification: Likely benign. Last evaluated: 2021-05-17. Review status: criteria provided, single submitter. Criteria: GeneDx Variant Classification Process June 2021. Collection method: clinical testing. Allele origin: germline. Affected: yes.

CeGaT Center for Human Genetics Tuebingen
Classification: Likely benign. Last evaluated: 2019-09-01. Review status: criteria provided, single submitter. Criteria: CeGaT Center For Human Genetics Tuebingen Variant Classification Criteria Version 2. Collection method: clinical testing. Allele origin: germline. Affected: yes. Observed: 1 variant allele.

Laboratory for Molecular Medicine, Mass General Brigham Personalized Medicine
Classification: Likely benign. Last evaluated: 2014-08-19. Review status: criteria provided, single submitter. Criteria: LMM Criteria. Collection method: clinical testing. Allele origin: germline. Observed: 1 variant allele.
Comment: Leu396Leu in exon 10 of COL11A2: This variant is not expected to have clinical s ignificance because it does not alter an amino acid residue and is not located w ithin the splice consensus sequence.